The following is an entry in ClinVar:

ClinVar aggregate classification (germline): Uncertain significance. Review status: criteria provided, multiple submitters, no conflicts (2 of 4 stars). 5 submissions from 5 submitters: Uncertain significance (4). 1 of the submissions does not count toward it. Last evaluated 2023-10-13.

Conditions:
Breast-ovarian cancer, familial, susceptibility to, 2 (BROVCA2). Also called: BRCA2 Hereditary Breast and Ovarian Cancer. Identifiers: Orphanet 145, MedGen C2675520, MONDO:0012933, OMIM 612555. Disease mechanism: loss of function.
Hereditary cancer-predisposing syndrome. Also called: Tumor predisposition; Hereditary Cancer Syndrome; Neoplastic Syndromes, Hereditary; Hereditary neoplastic syndrome. Identifiers: Orphanet 140162, MedGen C0027672, MeSH D009386, MONDO:0015356.
Hereditary breast ovarian cancer syndrome. Also called: Breast and ovarian cancer; Hereditary breast and ovarian cancer; Hereditary breast and ovarian cancer syndrome; BRCA1- and BRCA2-Associated Hereditary Breast and Ovarian Cancer; Hereditary breast and ovarian cancer syndrome (HBOC); Hereditary breast and/or ovarian cancer syndrome. Identifiers: Orphanet 145, MedGen C0677776, MeSH D061325, MONDO:0003582. Disease mechanism: loss of function.

Allele frequency attached by ClinVar (database versions not stated): gnomAD exomes below 0.00001; ExAC 0.00001.

Submissions (5):

Labcorp Genetics (formerly Invitae), Labcorp
Classification: Uncertain significance for Hereditary breast ovarian cancer syndrome. Last evaluated: 2023-10-13. Review status: criteria provided, single submitter. Criteria: Invitae Variant Classification Sherloc (09022015). Collection method: clinical testing. Allele origin: germline.
Comment: This sequence change replaces methionine, which is neutral and non-polar, with valine, which is neutral and non-polar, at codon 1090 of the BRCA2 protein (p.Met1090Val). This variant is present in population databases (rs398122760, gnomAD 0.003%). This variant has not been reported in the literature in individuals affected with BRCA2-related conditions. ClinVar contains an entry for this variant (Variation ID: 91795). Advanced modeling of protein sequence and biophysical properties (such as structural, functional, and spatial information, amino acid conservation, physicochemical variation, residue mobility, and thermodynamic stability) performed at Invitae indicates that this missense variant is not expected to disrupt BRCA2 protein function. In summary, the available evidence is currently insufficient to determine the role of this variant in disease. Therefore, it has been classified as a Variant of Uncertain Significance.

Ambry Genetics
Classification: Uncertain significance for Hereditary cancer-predisposing syndrome. Last evaluated: 2023-03-26. Review status: criteria provided, single submitter. Criteria: Ambry Variant Classification Scheme 2023. Collection method: clinical testing. Allele origin: germline.
Comment: The p.M1090V variant (also known as c.3268A>G), located in coding exon 10 of the BRCA2 gene, results from an A to G substitution at nucleotide position 3268. The methionine at codon 1090 is replaced by valine, an amino acid with highly similar properties. This amino acid position is poorly conserved in available vertebrate species. In addition, this alteration is predicted to be tolerated by in silico analysis. Since supporting evidence is limited at this time, the clinical significance of this alteration remains unclear.

All of Us Research Program, National Institutes of Health
Classification: Uncertain significance for Breast-ovarian cancer, familial, susceptibility to, 2. Last evaluated: 2023-03-23. Review status: criteria provided, single submitter. Criteria: ACMG Guidelines, 2015. Collection method: clinical testing. Allele origin: germline. Inheritance: Autosomal dominant inheritance. Observed: 1 variant allele, 1 heterozygote.
Comment: This missense variant replaces methionine with valine at codon 1090 of the BRCA2 protein. Computational prediction suggests that this variant may not impact protein structure and function (internally defined REVEL score threshold <= 0.5, PMID: 27666373). To our knowledge, functional studies have not been reported for this variant. This variant has not been reported in individuals affected with hereditary cancer in the literature. This variant has been identified in 1/230550 chromosomes in the general population by the Genome Aggregation Database (gnomAD). The available evidence is insufficient to determine the role of this variant in disease conclusively. Therefore, this variant is classified as a Variant of Uncertain Significance.

This study involves interpretation of variants in research participants for the purpose of population health screening. Participant phenotype was not available at the time of variant classification. Additional details can be found in publication PMID: 35346344, PMCID: PMC8962531

Women's Health and Genetics/Laboratory Corporation of America, LabCorp
Classification: Uncertain significance. Last evaluated: 2023-02-16. Review status: criteria provided, single submitter. Criteria: LabCorp Variant Classification Summary - May 2015. Collection method: clinical testing. Allele origin: germline.
Comment: Variant summary: BRCA2 c.3268A>G (p.Met1090Val) results in a conservative amino acid change in the encoded protein sequence. Four of four in-silico tools predict a benign effect of the variant on protein function. The variant allele was found at a frequency of 4.3e-06 in 230550 control chromosomes. The available data on variant occurrences in the general population are insufficient to allow any conclusion about variant significance. c.3268A>G has been reported in the literature in at least one individual without clinical information. This report does not provide unequivocal conclusions about association of the variant with Hereditary Breast And Ovarian Cancer Syndrome. To our knowledge, no experimental evidence demonstrating an impact on protein function has been reported. No clinical diagnostic laboratories have submitted clinical-significance assessments for this variant to ClinVar after 2014. Based on the evidence outlined above, the variant was classified as uncertain significance.

Sharing Clinical Reports Project (SCRP)
Classification: Uncertain significance for Breast-ovarian cancer, familial 2. Last evaluated: 2010-10-29. Review status: no assertion criteria provided. Collection method: clinical testing. Allele origin: germline. Not counted in ClinVar's aggregate classification.

Literature cited by the submitters: PubMed 18403564 (cited by Women's Health and Genetics/Laboratory Corporation of America, LabCorp).

NM_000059.4(BRCA2):c.3268A>G (p.Met1090Val)

Gene: BRCA2 (BRCA2 DNA repair associated; plus strand). Cytogenetic location: 13q13.1.
Variant type: single nucleotide variant.
Coding change: c.3268A>G on transcript NM_000059.4 (MANE Select); coding-DNA position 3268, A replaced by G.
Protein change: p.Met1090Val; replaces methionine 1090 with valine.
Molecular consequence: missense variant. On other transcripts: non-coding transcript variant (1), intron variant (2).
Genome position (GRCh38, 1-based): chr13:32,337,623, A>G. VCF-style: chr13-32337623-A-G. GRCh37 (hg19) VCF-style: chr13-32911760-A-G.
Other names: M1090V; 3496A>G; c.3268A>G, p.Met1090Val (NM_001406719.1, NM_001406720.1); c.1909+4236A>G (NM_001406721.1); c.424+6593A>G (NM_001406722.1).
Identifiers: ClinVar variation 91795 (VCV000091795.9), dbSNP rs398122760, ClinGen allele CA017681.